The following is an entry in ClinVar:

ClinVar aggregate classification (germline): Pathogenic (1 of 4 stars; one submission).

Conditions:
Hereditary cancer-predisposing syndrome. Also called: Tumor predisposition; Hereditary neoplastic syndrome; Hereditary Cancer Syndrome; Neoplastic Syndromes, Hereditary. Identifiers: Orphanet 140162, MedGen C0027672, MeSH D009386, MONDO:0015356.

Submission:

Ambry Genetics
Classification: Pathogenic for Hereditary cancer-predisposing syndrome. Last evaluated: 2024-01-30. Review status: criteria provided, single submitter. Criteria: Ambry Variant Classification Scheme 2023. Collection method: clinical testing. Allele origin: germline.
Comment: The c.2011delC (p.H671Tfs*22) alteration, located in coding exon 14 of the PTCH1 gene, consists of a deletion of one nucleotide at position 2011, causing a translational frameshift with a predicted alternate stop codon after 22 amino acids. This alteration is expected to result in loss of function by premature protein truncation or nonsense-mediated mRNA decay. This variant was not reported in population-based cohorts in the Genome Aggregation Database (gnomAD). This variant was reported in a patient with a clinical diagnosis of Nevoid Basal Cell Carcinoma (NBCCS) who had a history of basal cell carcinoma, keratocystic odontogenic tumors, pits, and calcification of falx cerebri (Guo, 2013). Based on the available evidence, this alteration is classified as pathogenic.

Literature cited by the submitters: PubMed 24204797.

NM_000264.5(PTCH1):c.2011del (p.His671fs)

Genes: PTCH1 (patched 1; minus strand), LOC100507346 (uncharacterized LOC100507346; plus strand). Cytogenetic location: 9q22.32.
Variant type: Deletion.
Coding change: c.2011del on transcript NM_000264.5 (MANE Select); coding-DNA position 2011, one base deleted (C; older notation c.2011delC).
Protein change: p.His671fs; shifts the reading frame from histidine 671.
Molecular consequence: frameshift variant. On other transcripts: non-coding transcript variant (2).
Genome position (GRCh38, 1-based): chr9:95,468,990, G deleted on the plus strand (C on the coding strand, the reverse complement: PTCH1 is on the minus strand); the first of 5 consecutive G bases (chr9:95,468,990-95,468,994); deleting any one gives the same sequence. VCF-style (leftmost placement, unchanged base first): chr9-95468989-TG-T. GRCh37 (hg19) VCF-style: chr9-98231271-TG-T.
Other names: c.2011delC (NM_000264.3); c.1813del, p.His605fs (NM_001083602.3); c.2008del, p.His670fs (NM_001083603.3); c.1558del, p.His520fs (NM_001083604.3, NM_001083605.3, NM_001083606.3 and 1 more transcripts); c.1855del, p.His619fs (NM_001354918.2); short protein forms H670fs, H520fs, H619fs, H671fs, H605fs.
Identifiers: ClinVar variation 3220603 (VCV003220603.1), dbSNP rs1554695110, ClinGen allele CA2695210997.